The following is an entry in ClinVar:

NM_001166108.2(PALLD):c.1965-12906C>A

Gene: PALLD (palladin, cytoskeletal associated protein; plus strand). Cytogenetic location: 4q32.3.
Variant type: single nucleotide variant.
Coding change: c.1965-12906C>A on transcript NM_001166108.2 (MANE Select); 12906 bases into the intron before coding-DNA position 1965, C replaced by A.
Molecular consequence: intron variant. On other transcripts: missense variant (1).
Genome position (GRCh38, 1-based): chr4:168,878,016, C>A. VCF-style: chr4-168878016-C-A. GRCh37 (hg19) VCF-style: chr4-169799167-C-A.
Other names: c.125C>A, p.Ala42Asp (NM_001166110.2); c.1965-12906C>A (NM_016081.4); c.819-12906C>A (NM_001166109.2); c.-157-12906C>A (NM_001367570.1, NM_001367568.1, NM_001367567.1 and 1 more transcripts); short protein forms A42D.
Identifiers: ClinVar variation 1719235 (VCV001719235.5), dbSNP rs1275663812, ClinGen allele CA358795109.

ClinVar aggregate classification (germline): Uncertain significance (1 of 4 stars; one submission).

Conditions:
Pancreatic adenocarcinoma. Identifiers: MedGen C0281361, MONDO:0006047, HP:0006725.

Submission:

Labcorp Genetics (formerly Invitae), Labcorp
Classification: Uncertain significance for Pancreatic adenocarcinoma. Last evaluated: 2022-10-24. Review status: criteria provided, single submitter. Criteria: Invitae Variant Classification Sherloc (09022015). Collection method: clinical testing. Allele origin: germline.
Comment: In summary, the available evidence is currently insufficient to determine the role of this variant in disease. Therefore, it has been classified as a Variant of Uncertain Significance. This sequence change replaces alanine, which is neutral and non-polar, with aspartic acid, which is acidic and polar, at codon 42 of the PALLD protein (p.Ala42Asp). This variant is not present in population databases (gnomAD no frequency). This variant has not been reported in the literature in individuals affected with PALLD-related conditions. Algorithms developed to predict the effect of missense changes on protein structure and function (SIFT, PolyPhen-2, Align-GVGD) all suggest that this variant is likely to be tolerated.